The following is an entry in ClinVar:

NM_022772.4(EPS8L2):c.834G>C (p.Glu278Asp)

Gene: EPS8L2 (EPS8 signaling adaptor L2; plus strand). Cytogenetic location: 11p15.5.
Variant type: single nucleotide variant.
Coding change: c.834G>C on transcript NM_022772.4 (MANE Select); coding-DNA position 834, G replaced by C.
Protein change: p.Glu278Asp; replaces glutamic acid 278 with aspartic acid.
Molecular consequence: missense variant.
Genome position (GRCh38, 1-based): chr11:721,630, G>C. VCF-style: chr11-721630-G-C. GRCh37 (hg19) VCF-style: chr11-721630-G-C.
Other names: short protein forms E278D.
Identifiers: ClinVar variation 2165465 (VCV002165465.3), dbSNP rs763161283, ClinGen allele CA5787280.

ClinVar aggregate classification (germline): Uncertain significance (1 of 4 stars; one submission).

Allele frequency attached by ClinVar (database versions not stated): TOPMed below 0.00001.

Submission:

Labcorp Genetics (formerly Invitae), Labcorp
Classification: Uncertain significance. Last evaluated: 2022-09-21. Review status: criteria provided, single submitter. Criteria: Invitae Variant Classification Sherloc (09022015). Collection method: clinical testing. Allele origin: germline.
Comment: This sequence change replaces glutamic acid, which is acidic and polar, with aspartic acid, which is acidic and polar, at codon 278 of the EPS8L2 protein (p.Glu278Asp). This variant is present in population databases (rs763161283, gnomAD 0.02%). This variant has not been reported in the literature in individuals affected with EPS8L2-related conditions. Algorithms developed to predict the effect of missense changes on protein structure and function are either unavailable or do not agree on the potential impact of this missense change (SIFT: "Tolerated"; PolyPhen-2: "Possibly Damaging"; Align-GVGD: "Class C0"). In summary, the available evidence is currently insufficient to determine the role of this variant in disease. Therefore, it has been classified as a Variant of Uncertain Significance.